The following is an entry in ClinVar:

NM_000465.4(BARD1):c.812G>C (p.Cys271Ser)

Gene: BARD1 (BRCA1 associated RING domain 1; minus strand). Cytogenetic location: 2q35.
Variant type: single nucleotide variant.
Coding change: c.812G>C on transcript NM_000465.4 (MANE Select); coding-DNA position 812, G replaced by C.
Protein change: p.Cys271Ser; replaces cysteine 271 with serine.
Molecular consequence: missense variant. On other transcripts: non-coding transcript variant (2), intron variant (3).
Genome position (GRCh38, 1-based): chr2:214,781,062, C>G on the plus strand (G>C on the coding strand, the complement: BARD1 is on the minus strand). VCF-style: chr2-214781062-C-G. GRCh37 (hg19) VCF-style: chr2-215645786-C-G.
Other names: c.755G>C, p.Cys252Ser (NM_001282543.2); c.158+28350G>C (NM_001282548.2); c.215+15999G>C (NM_001282545.2); c.364+11235G>C (NM_001282549.2); short protein forms C252S, C271S.
Identifiers: ClinVar variation 2856990 (VCV002856990.3), dbSNP rs1467019395, ClinGen allele CA350455533.

ClinVar aggregate classification (germline): Uncertain significance (1 of 4 stars; one submission).

Conditions:
Familial cancer of breast. Also called: Hereditary breast cancer; BREAST CANCER, FAMILIAL; hereditary breast carcinoma. Identifiers: Orphanet 227535, MedGen C0346153, MONDO:0016419, OMIM 114480. Disease mechanism: loss of function.

Submission:

Labcorp Genetics (formerly Invitae), Labcorp
Classification: Uncertain significance for Familial cancer of breast. Last evaluated: 2023-04-17. Review status: criteria provided, single submitter. Criteria: Invitae Variant Classification Sherloc (09022015). Collection method: clinical testing. Allele origin: germline.
Comment: This variant has not been reported in the literature in individuals affected with BARD1-related conditions. Algorithms developed to predict the effect of missense changes on protein structure and function output the following: SIFT: "Not Available"; PolyPhen-2: "Benign"; Align-GVGD: "Not Available". The serine amino acid residue is found in multiple mammalian species, which suggests that this missense change does not adversely affect protein function. In summary, the available evidence is currently insufficient to determine the role of this variant in disease. Therefore, it has been classified as a Variant of Uncertain Significance. This variant is not present in population databases (gnomAD no frequency). This sequence change replaces cysteine, which is neutral and slightly polar, with serine, which is neutral and polar, at codon 271 of the BARD1 protein (p.Cys271Ser).